The following is an entry in ClinVar:

ClinVar aggregate classification (germline): Uncertain significance. Review status: criteria provided, multiple submitters, no conflicts (2 of 4 stars). 2 submissions from 2 submitters: Uncertain significance (2). Last evaluated 2022-09-15.

Conditions:
Inborn genetic diseases. Identifiers: MedGen C0950123, MeSH D030342.

Allele frequency attached by ClinVar (database versions not stated): ExAC 0.00002.
gnomAD v4.1: 7 of 1,608,824 alleles (0.00044%); highest among the groups gnomAD compares: Non-Finnish European, 0.0006%; no homozygotes.

Submissions (2):

Labcorp Genetics (formerly Invitae), Labcorp
Classification: Uncertain significance. Last evaluated: 2022-09-15. Review status: criteria provided, single submitter. Criteria: Invitae Variant Classification Sherloc (09022015). Collection method: clinical testing. Allele origin: germline.
Comment: In summary, the available evidence is currently insufficient to determine the role of this variant in disease. Therefore, it has been classified as a Variant of Uncertain Significance. Algorithms developed to predict the effect of missense changes on protein structure and function are either unavailable or do not agree on the potential impact of this missense change (SIFT: "Deleterious"; PolyPhen-2: "Benign"; Align-GVGD: "Class C15"). This sequence change replaces glycine, which is neutral and non-polar, with valine, which is neutral and non-polar, at codon 491 of the KLHL7 protein (p.Gly491Val). This variant is present in population databases (rs773094599, gnomAD 0.004%). This variant has not been reported in the literature in individuals affected with KLHL7-related conditions.

Ambry Genetics
Classification: Uncertain significance for Inborn genetic diseases. Last evaluated: 2022-04-07. Review status: criteria provided, single submitter. Criteria: Ambry Variant Classification Scheme 2023. Collection method: clinical testing. Allele origin: germline.

NM_001031710.3(KLHL7):c.1472G>T (p.Gly491Val)

Gene: KLHL7 (kelch like family member 7; plus strand). Cytogenetic location: 7p15.3.
Variant type: single nucleotide variant.
Coding change: c.1472G>T on transcript NM_001031710.3 (MANE Select); coding-DNA position 1472, G replaced by T.
Protein change: p.Gly491Val; replaces glycine 491 with valine.
Molecular consequence: missense variant. On other transcripts: non-coding transcript variant (1).
Genome position (GRCh38, 1-based): chr7:23,173,040, G>T. VCF-style: chr7-23173040-G-T. GRCh37 (hg19) VCF-style: chr7-23212659-G-T.
Other names: c.1472G>T (NM_001031710.2); c.1328G>T, p.Gly443Val (NM_018846.5); short protein forms G443V, G491V.
Identifiers: ClinVar variation 2177410 (VCV002177410.5), dbSNP rs773094599, ClinGen allele CA4186631.